The following is an entry in ClinVar:

NM_020166.5(MCCC1):c.43G>A (p.Glu15Lys)

Gene: MCCC1 (methylcrotonyl-CoA carboxylase subunit 1; minus strand). Cytogenetic location: 3q27.1.
Variant type: single nucleotide variant.
Coding change: c.43G>A on transcript NM_020166.5 (MANE Select); coding-DNA position 43, G replaced by A.
Protein change: p.Glu15Lys; replaces glutamic acid 15 with lysine.
Molecular consequence: missense variant. On other transcripts: 5 prime UTR variant (2), non-coding transcript variant (1).
Genome position (GRCh38, 1-based): chr3:183,099,398, C>T on the plus strand (G>A on the coding strand, the complement: MCCC1 is on the minus strand). VCF-style: chr3-183099398-C-T. GRCh37 (hg19) VCF-style: chr3-182817186-C-T.
Other names: c.-50G>A (NM_001293273.2); c.-148G>A (NM_001363880.1); short protein forms E15K.
Identifiers: ClinVar variation 1942335 (VCV001942335.5), dbSNP rs988784745, ClinGen allele CA88712121.

ClinVar aggregate classification (germline): Uncertain significance (1 of 4 stars; one submission).

Conditions:
3-methylcrotonyl-CoA carboxylase 1 deficiency (MCC1D). Also called: MCCD TYPE 1; METHYLCROTONYLGLYCINURIA TYPE I; MCC 1 deficiency; 3 Alpha methylcrotonylglycinuria 1. Identifiers: Orphanet 6, MedGen CN028786, MONDO:0008861, OMIM 210200.

Submission:

Labcorp Genetics (formerly Invitae), Labcorp
Classification: Uncertain significance for 3-methylcrotonyl-CoA carboxylase 1 deficiency. Last evaluated: 2025-01-13. Review status: criteria provided, single submitter. Criteria: Invitae Variant Classification Sherloc (09022015). Collection method: clinical testing. Allele origin: germline.
Comment: This sequence change replaces glutamic acid, which is acidic and polar, with lysine, which is basic and polar, at codon 15 of the MCCC1 protein (p.Glu15Lys). This variant is not present in population databases (gnomAD no frequency). This variant has not been reported in the literature in individuals affected with MCCC1-related conditions. ClinVar contains an entry for this variant (Variation ID: 1942335). Invitae Evidence Modeling of protein sequence and biophysical properties (such as structural, functional, and spatial information, amino acid conservation, physicochemical variation, residue mobility, and thermodynamic stability) indicates that this missense variant is not expected to disrupt MCCC1 protein function with a negative predictive value of 80%. In summary, the available evidence is currently insufficient to determine the role of this variant in disease. Therefore, it has been classified as a Variant of Uncertain Significance.